The following is an entry in ClinVar:

NM_001367721.1(CASK):c.493G>C (p.Val165Leu)

Gene: CASK (calcium/calmodulin dependent serine protein kinase; minus strand). Cytogenetic location: Xp11.4.
Variant type: single nucleotide variant.
Coding change: c.493G>C on transcript NM_001367721.1 (MANE Select); coding-DNA position 493, G replaced by C.
Protein change: p.Val165Leu; replaces valine 165 with leucine.
Molecular consequence: missense variant.
Genome position (GRCh38, 1-based): chrX:41,671,467, C>G on the plus strand (G>C on the coding strand, the complement: CASK is on the minus strand). VCF-style: chrX-41671467-C-G. GRCh37 (hg19) VCF-style: chrX-41530720-C-G.
Other names: c.493G>C, p.Val165Leu (NM_001126054.3, NM_001126055.3, NM_001410745.1 and 1 more transcripts); short protein forms V165L.
Identifiers: ClinVar variation 383841 (VCV000383841.2), dbSNP rs1057521754, ClinGen allele CA16608929.

ClinVar aggregate classification (germline): Likely pathogenic (1 of 4 stars; one submission).

Submission:

GeneDx
Classification: Likely pathogenic. Last evaluated: 2016-02-05. Review status: criteria provided, single submitter. Criteria: GeneDx Variant Classification (06012015). Collection method: clinical testing. Allele origin: germline. Affected: yes.
Comment: The V165L variant in the CASK gene has not been reported previously as a pathogenic variant, nor as a benign variant, to our knowledge. The V165L variant was not observed in approximately 6500 individuals of European and African American ancestry in the NHLBI Exome Sequencing Project, indicating it is not a common benign variant in these populations. The V165L variant is a conservative amino acid substitution, which occurs at a position that is conserved across species. In silico analysis is inconsistent in its predictions as to whether or not the variant is damaging to the protein structure/function. The V165L variant is a strong candidate for a pathogenic variant, however the possibility it may be a rare benign variant cannot be excluded.